The following is an entry in ClinVar:

NM_007103.4(NDUFV1):c.443C>T (p.Ala148Val)

Gene: NDUFV1 (NADH:ubiquinone oxidoreductase core subunit V1; plus strand). Cytogenetic location: 11q13.2.
Variant type: single nucleotide variant.
Coding change: c.443C>T on transcript NM_007103.4 (MANE Select); coding-DNA position 443, C replaced by T.
Protein change: p.Ala148Val; replaces alanine 148 with valine.
Molecular consequence: missense variant.
Genome position (GRCh38, 1-based): chr11:67,609,568, C>T. VCF-style: chr11-67609568-C-T. GRCh37 (hg19) VCF-style: chr11-67377039-C-T.
Other names: p.Ala148Val; c.416C>T, p.Ala139Val (NM_001166102.2); short protein forms A139V, A148V.
Identifiers: ClinVar variation 4541643 (VCV004541643.1).

ClinVar aggregate classification (germline): Uncertain significance (1 of 4 stars; one submission).

gnomAD v4.1: 1 of 1,612,496 alleles (0.000062%); no homozygotes.

Submission:

Mayo Clinic Laboratories, Mayo Clinic
Classification: Uncertain significance. Last evaluated: 2025-08-21. Review status: criteria provided, single submitter. Criteria: ACMG Guidelines, 2015. Collection method: clinical testing. Allele origin: germline. Observed: 1 variant allele.
Comment: PP3_moderate, PM2_supporting